The following is an entry in ClinVar:

ClinVar aggregate classification (germline): Conflicting classifications of pathogenicity. Review status: criteria provided, conflicting classifications (1 of 4 stars). 6 submissions from 6 submitters: Pathogenic (1); Likely pathogenic (3); Uncertain significance (2). Last evaluated 2026-05-21.

Conditions:
Familial adenomatous polyposis 4 (FAP4). Also called: MSH3-related attenuated familial adenomatous polyposis. Identifiers: Orphanet 480536, MedGen C4310719, MONDO:0044300, OMIM 617100.
Hereditary cancer-predisposing syndrome. Also called: Hereditary Cancer Syndrome; Hereditary neoplastic syndrome; Neoplastic Syndromes, Hereditary; Tumor predisposition. Identifiers: Orphanet 140162, MedGen C0027672, MeSH D009386, MONDO:0015356.
Endometrial carcinoma. Also called: Endometrial carcinoma, somatic. Identifiers: MedGen C0476089, MONDO:0002447, OMIM 608089, HP:0012114.

Allele frequency attached by ClinVar (database versions not stated): gnomAD exomes 0.00001; TOPMed 0.00001; ExAC 0.00001.
gnomAD v4.1: 33 of 1,604,516 alleles (0.0021%); highest among the groups gnomAD compares: Non-Finnish European, 0.0026%; no homozygotes.

Submissions (6):

Myriad Genetics, Inc.
Classification: Likely pathogenic for Familial adenomatous polyposis 4. Last evaluated: 2026-05-21. Review status: criteria provided, single submitter. Criteria: Myriad Autosomal Dominant, Autosomal Recessive and X-Linked Classification Criteria (2023). Collection method: clinical testing. Allele origin: unknown.
Comment: This variant is considered likely pathogenic. mRNA analysis has demonstrated abnormal mRNA splicing occurs [Myriad internal data].

Labcorp Genetics (formerly Invitae), Labcorp
Classification: Pathogenic. Last evaluated: 2025-11-04. Review status: criteria provided, single submitter. Criteria: Invitae Variant Classification Sherloc (09022015). Collection method: clinical testing. Allele origin: germline.
Comment: This sequence change replaces lysine, which is basic and polar, with asparagine, which is neutral and polar, at codon 303 of the MSH3 protein (p.Lys303Asn). RNA analysis indicates that this missense change induces altered splicing and may result in an absent or altered protein product. This variant is present in population databases (rs757164724, gnomAD 0.003%). This variant has not been reported in the literature in individuals affected with MSH3-related conditions. ClinVar contains an entry for this variant (Variation ID: 641545). An algorithm developed to predict the effect of missense changes on protein structure and function (PolyPhen-2) suggests that this variant is likely to be disruptive. Variants that disrupt the consensus splice site are a relatively common cause of aberrant splicing (PMID: 17576681, 9536098). Studies have shown that this missense change results in activation of a cryptic splice site, and produces a non-functional protein and/or introduces a premature termination codon (internal data). For these reasons, this variant has been classified as Pathogenic.

Ambry Genetics
Classification: Likely pathogenic for Hereditary cancer-predisposing syndrome. Last evaluated: 2025-09-17. Review status: criteria provided, single submitter. Criteria: Ambry Variant Classification Scheme 2023. Collection method: clinical testing. Allele origin: germline.
Comment: The c.909G>C variant (also known as p.K303N), located in coding exon 5 of the MSH3 gene, results from a G to C substitution at nucleotide position 909. The lysine at codon 303 is replaced by asparagine, an amino acid with similar properties. However, this change occurs in the last base pair of coding exon 5, which makes it likely to have some effect on normal mRNA splicing. RNA studies have demonstrated that this alteration results in abnormal splicing in the set of samples tested (Ambry internal data). Based on internal structural analysis for the missense substitution, K303N does not destabilize the local structure (Ambry internal data; Gupta S et al. Nat Struct Mol Biol, 2011 Dec;19:72-8). This variant is considered to be rare based on population cohorts in the Genome Aggregation Database (gnomAD). This nucleotide position is highly conserved in available vertebrate species. In silico splice site analysis predicts that this alteration will weaken the native splice donor site and will result in the creation or strengthening of a novel splice donor site. Based on the majority of available evidence to date, this variant is likely to be pathogenic.

Center for Genomic Medicine, Rigshospitalet, Copenhagen University Hospital
Classification: Uncertain significance. Last evaluated: 2025-03-04. Review status: criteria provided, single submitter. Criteria: ACMG Guidelines, 2015. Collection method: clinical testing. Allele origin: germline.

Baylor Genetics
Classification: Likely pathogenic for Endometrial carcinoma. Last evaluated: 2023-10-22. Review status: criteria provided, single submitter. Criteria: ACMG Guidelines, 2015. Collection method: clinical testing. Allele origin: unknown.

Quest Diagnostics Nichols Institute San Juan Capistrano
Classification: Uncertain significance. Last evaluated: 2023-03-10. Review status: criteria provided, single submitter. Criteria: Quest Diagnostics criteria. Collection method: clinical testing. Allele origin: unknown.
Comment: The variant has not been reported in individuals with MSH3-related conditions in the published literature. The frequency of this variant in the general population, 0.000026 (3/113724 chromosomes), is uninformative in assessment of its pathogenicity. Analysis of this variant using software algorithms for the prediction of the effect of nucleotide changes on splicing yielded predictions that this variant may affect proper MSH3 mRNA splicing . Based on the available information, we are unable to determine the clinical significance of this variant.

Literature cited by the submitters: PubMed 17576681 (cited by Labcorp Genetics (formerly Invitae), Labcorp); PubMed 9536098 (cited by Labcorp Genetics (formerly Invitae), Labcorp); PubMed 22179786 (cited by Ambry Genetics).

NM_002439.5(MSH3):c.909G>C (p.Lys303Asn)

Gene: MSH3 (mutS homolog 3; plus strand). Cytogenetic location: 5q14.1.
Variant type: single nucleotide variant.
Coding change: c.909G>C on transcript NM_002439.5 (MANE Select); coding-DNA position 909, G replaced by C.
Protein change: p.Lys303Asn; replaces lysine 303 with asparagine.
Molecular consequence: missense variant.
Genome position (GRCh38, 1-based): chr5:80,672,360, G>C. VCF-style: chr5-80672360-G-C. GRCh37 (hg19) VCF-style: chr5-79968179-G-C.
Other names: short protein forms K303N.
Identifiers: ClinVar variation 641545 (VCV000641545.19), dbSNP rs757164724, ClinGen allele CA3327741.